The following is an entry in ClinVar:

ClinVar aggregate classification (germline): Pathogenic (1 of 4 stars; one submission).

gnomAD v4.1: 1 of 1,614,052 alleles (0.000062%); highest among the groups gnomAD compares: Non-Finnish European, 0.000085%; no homozygotes.

Submission:

Labcorp Genetics (formerly Invitae), Labcorp
Classification: Pathogenic. Last evaluated: 2024-12-08. Review status: criteria provided, single submitter. Criteria: Invitae Variant Classification Sherloc (09022015). Collection method: clinical testing. Allele origin: germline.
Comment: This sequence change creates a premature translational stop signal (p.Arg1464*) in the HSPG2 gene. It is expected to result in an absent or disrupted protein product. Loss-of-function variants in HSPG2 are known to be pathogenic (PMID: 11279527, 16927315, 20542149, 23836246). This variant is not present in population databases (gnomAD no frequency). This variant has not been reported in the literature in individuals affected with HSPG2-related conditions. For these reasons, this variant has been classified as Pathogenic.

Literature cited by the submitters: PubMed 11279527; PubMed 16927315; PubMed 20542149; PubMed 23836246.

NM_005529.7(HSPG2):c.4390C>T (p.Arg1464Ter)

Gene: HSPG2 (heparan sulfate proteoglycan 2; minus strand). Cytogenetic location: 1p36.12.
Variant type: single nucleotide variant.
Coding change: c.4390C>T on transcript NM_005529.7 (MANE Select); coding-DNA position 4390, C replaced by T.
Protein change: p.Arg1464Ter; replaces arginine 1464 with a stop codon.
Molecular consequence: nonsense.
Genome position (GRCh38, 1-based): chr1:21,865,290, G>A on the plus strand (C>T on the coding strand, the complement: HSPG2 is on the minus strand). VCF-style: chr1-21865290-G-A. GRCh37 (hg19) VCF-style: chr1-22191783-G-A.
Other names: c.4393C>T, p.Arg1465Ter (NM_001291860.2); short protein forms R1464*, R1465*.
Identifiers: ClinVar variation 3678722 (VCV003678722.2).
Genomic context (GRCh38, chr1:21,865,290, plus strand): 5'-AGTCAGGGTGGAGGGTGGGGTGGGGTTAGACACAGCATGGCCAGGTGCCCCTTACCTCTC[G>A]GAACATGATCTCGTAGCTCCTCCTCTCAGGGCCCTGCAGCGCTGGCTGGGAGGCCACTAG-3'